The following is an entry in ClinVar:

ClinVar aggregate classification (germline): Uncertain significance (1 of 4 stars; one submission).

Submission:

GeneDx
Classification: Uncertain significance. Last evaluated: 2022-08-31. Review status: criteria provided, single submitter. Criteria: GeneDx Variant Classification Process June 2021. Collection method: clinical testing. Allele origin: germline. Affected: yes.
Comment: Not observed at significant frequency in large population cohorts (gnomAD); In silico analysis supports that this missense variant does not alter protein structure/function; Has not been previously published as pathogenic or benign to our knowledge

NM_001372044.2(SHANK3):c.4198G>A (p.Gly1400Ser)

Gene: SHANK3 (SH3 and multiple ankyrin repeat domains 3; plus strand). Cytogenetic location: 22q13.33.
Variant type: single nucleotide variant.
Coding change: c.4198G>A on transcript NM_001372044.2 (MANE Select); coding-DNA position 4198, G replaced by A.
Protein change: p.Gly1400Ser; replaces glycine 1400 with serine.
Molecular consequence: missense variant.
Genome position (GRCh38, 1-based): chr22:50,721,806, G>A. VCF-style: chr22-50721806-G-A. GRCh37 (hg19) VCF-style: chr22-51160234-G-A.
Other names: c.3973G>A, p.Gly1325Ser (NM_033517.1); short protein forms G1325S, G1400S.
Identifiers: ClinVar variation 2442787 (VCV002442787.1), dbSNP rs1440756630, ClinGen allele CA515263551.